The following is an entry in ClinVar:

ClinVar aggregate classification (germline): Benign (1 of 4 stars; one submission).

Allele frequency attached by ClinVar (database versions not stated): 1000 Genomes Project 30x 0.26671; gnomAD 0.28999 and 0.29117; TOPMed 0.29004.

Submission:

GeneDx
Classification: Benign. Last evaluated: 2019-08-23. Review status: criteria provided, single submitter. Criteria: GeneDx Variant Classification Process June 2021. Collection method: clinical testing. Allele origin: germline. Affected: yes.
Comment: This variant is associated with the following publications: (PMID: 29106514)

NM_016341.4(PLCE1):c.5035+2247_5035+2248insATTT

Gene: PLCE1 (phospholipase C epsilon 1; plus strand). Cytogenetic location: 10q23.33.
Variant type: Insertion.
Coding change: c.5035+2247_5035+2248insATTT on transcript NM_016341.4 (MANE Select); bases 2247 to 2248 of the intron after coding-DNA position 5035, ATTT inserted.
Molecular consequence: intron variant.
Genome position: GRCh38 VCF-style: chr10-94287212-C-CATTT. GRCh37 (hg19) VCF-style: chr10-96046969-C-CATTT.
Other names: c.4987+2247_4987+2248insATTT (NM_001288989.2); c.4111+2247_4111+2248insATTT (NM_001165979.2).
Identifiers: ClinVar variation 1280219 (VCV001280219.1), dbSNP rs71031566, ClinGen allele CA211592452.